The following is an entry in ClinVar:

ClinVar aggregate classification (germline): Uncertain significance (1 of 4 stars; one submission).

gnomAD v4.1: 1 of 1,614,106 alleles (0.000062%); highest among the groups gnomAD compares: Non-Finnish European, 0.000085%; no homozygotes.

Submission:

Ambry Genetics
Classification: Uncertain significance. Last evaluated: 2026-05-14. Review status: criteria provided, single submitter. Criteria: Ambry Variant Classification Scheme 2023. Collection method: clinical testing. Allele origin: germline.
Comment: The p.T306I variant (also known as c.917C>T), located in coding exon 8 of the RAD51B gene, results from a C to T substitution at nucleotide position 917. The threonine at codon 306 is replaced by isoleucine, an amino acid with similar properties. This amino acid position is conserved. In addition, this alteration is predicted to be tolerated by in silico analysis. Based on the available evidence, the clinical significance of this variant remains unclear.

NM_133510.4(RAD51B):c.917C>T (p.Thr306Ile)

Gene: RAD51B (RAD51 paralog B; plus strand). Cytogenetic location: 14q24.1.
Variant type: single nucleotide variant.
Coding change: c.917C>T on transcript NM_133510.4 (MANE Select); coding-DNA position 917, C replaced by T.
Protein change: p.Thr306Ile; replaces threonine 306 with isoleucine.
Molecular consequence: missense variant.
Genome position (GRCh38, 1-based): chr14:68,411,487, C>T. VCF-style: chr14-68411487-C-T. GRCh37 (hg19) VCF-style: chr14-68878204-C-T.
Other names: c.560C>T, p.Thr187Ile (NM_001321817.2); c.917C>T, p.Thr306Ile (NM_001321818.2, NM_001321819.1, NM_001321821.2 and 6 more transcripts); c.803C>T, p.Thr268Ile (NM_001321815.1); short protein forms T187I, T268I, T306I.
Identifiers: ClinVar variation 4862910 (VCV004862910.1).